The following is an entry in ClinVar:

NM_004329.3(BMPR1A):c.104T>A (p.Met35Lys)

Gene: BMPR1A (bone morphogenetic protein receptor type 1A; plus strand). Cytogenetic location: 10q23.2.
Variant type: single nucleotide variant.
Coding change: c.104T>A on transcript NM_004329.3 (MANE Select); coding-DNA position 104, T replaced by A.
Protein change: p.Met35Lys; replaces methionine 35 with lysine.
Molecular consequence: missense variant.
Genome position (GRCh38, 1-based): chr10:86,890,098, T>A. VCF-style: chr10-86890098-T-A. GRCh37 (hg19) VCF-style: chr10-88649855-T-A.
Other names: c.104T>A (NM_004329.2); short protein forms M35K.
Identifiers: ClinVar variation 1513917 (VCV001513917.8), dbSNP rs2133394661, ClinGen allele CA377446388.
Genomic context (GRCh38, chr10:86,890,098, plus strand): 5'-TACAAATTCCATATTTGAATGCAGGACAGAATCTGGATAGTATGCTTCATGGCACTGGGA[T>A]GAAATCAGACTCCGACCAGAAAAAGTCAGAAAATGGAGTAACCTTAGCACCAGAGGATAC-3'
Protein context (NP_004320.2, residues 25-45): NLDSMLHGTG[Met35Lys]KSDSDQKKSE

ClinVar aggregate classification (germline): Uncertain significance. Review status: criteria provided, multiple submitters, no conflicts (2 of 4 stars). 3 submissions from 3 submitters: Uncertain significance (3). Last evaluated 2026-04-27.

Conditions:
Juvenile polyposis syndrome (JPS). Identifiers: Orphanet 2929, MedGen C0345893, MONDO:0017380, OMIM 174900.
Hereditary cancer-predisposing syndrome. Also called: Tumor predisposition; Neoplastic Syndromes, Hereditary; Hereditary Cancer Syndrome; Hereditary neoplastic syndrome. Identifiers: Orphanet 140162, MedGen C0027672, MeSH D009386, MONDO:0015356.

Allele frequency attached by ClinVar (database versions not stated): gnomAD exomes below 0.00001.
gnomAD v4.1: 1 of 1,613,690 alleles (0.000062%); highest among the groups gnomAD compares: Non-Finnish European, 0.000085%; no homozygotes.

Submissions (3):

Ambry Genetics
Classification: Uncertain significance for Hereditary cancer-predisposing syndrome. Last evaluated: 2026-04-27. Review status: criteria provided, single submitter. Criteria: Ambry Variant Classification Scheme 2023. Collection method: clinical testing. Allele origin: germline.
Comment: The p.M35K variant (also known as c.104T>A), located in coding exon 2 of the BMPR1A gene, results from a T to A substitution at nucleotide position 104. The methionine at codon 35 is replaced by lysine, an amino acid with similar properties. This amino acid position is not well conserved in available vertebrate species. In addition, the in silico prediction for this alteration is inconclusive. Based on the available evidence, the clinical significance of this variant remains unclear.

Labcorp Genetics (formerly Invitae), Labcorp
Classification: Uncertain significance for Juvenile polyposis syndrome. Last evaluated: 2023-10-04. Review status: criteria provided, single submitter. Criteria: Invitae Variant Classification Sherloc (09022015). Collection method: clinical testing. Allele origin: germline.
Comment: This sequence change replaces methionine, which is neutral and non-polar, with lysine, which is basic and polar, at codon 35 of the BMPR1A protein (p.Met35Lys). This variant is not present in population databases (gnomAD no frequency). This variant has not been reported in the literature in individuals affected with BMPR1A-related conditions. ClinVar contains an entry for this variant (Variation ID: 1513917). Advanced modeling of protein sequence and biophysical properties (such as structural, functional, and spatial information, amino acid conservation, physicochemical variation, residue mobility, and thermodynamic stability) performed at Invitae indicates that this missense variant is not expected to disrupt BMPR1A protein function. In summary, the available evidence is currently insufficient to determine the role of this variant in disease. Therefore, it has been classified as a Variant of Uncertain Significance.

All of Us Research Program, National Institutes of Health
Classification: Uncertain significance for Juvenile polyposis syndrome. Last evaluated: 2023-07-19. Review status: criteria provided, single submitter. Criteria: ACMG Guidelines, 2015. Collection method: clinical testing. Allele origin: germline. Inheritance: Autosomal dominant inheritance. Observed: 1 variant allele, 1 heterozygote.
Comment: This missense variant replaces methionine with lysine at codon 35 of the BMPR1A protein. Computational prediction suggests that this variant may not impact protein structure and function (internally defined REVEL score threshold <= 0.5, PMID: 27666373). To our knowledge, functional studies have not been reported for this variant. This variant has not been reported in individuals affected with BMPR1A-related disorders in the literature. This variant has not been identified in the general population by the Genome Aggregation Database (gnomAD). The available evidence is insufficient to determine the role of this variant in disease conclusively. Therefore, this variant is classified as a Variant of Uncertain Significance.

This study involves interpretation of variants in research participants for the purpose of population health screening. Participant phenotype was not available at the time of variant classification. Additional details can be found in publication PMID: 35346344, PMCID: PMC8962531